The following is an entry in ClinVar:

NM_002585.4(PBX1):c.*2673del

Gene: PBX1 (PBX homeobox 1; plus strand). Cytogenetic location: 1q23.3.
Variant type: Deletion.
Coding change: c.*2673del on transcript NM_002585.4 (MANE Select); 2673 bases downstream of the stop codon, one base deleted (C; older notation c.*2673delC).
Molecular consequence: 3 prime UTR variant. On other transcripts: frameshift variant (1), intron variant (1).
Genome position (GRCh38, 1-based): chr1:164,849,349, C deleted; the last of 5 consecutive C bases (chr1:164,849,345-164,849,349); deleting any one gives the same sequence. VCF-style (leftmost placement, unchanged base first): chr1-164849344-TC-T. GRCh37 (hg19) VCF-style: chr1-164818581-TC-T.
Other names: c.*2809del (NM_001204961.2); c.1210del, p.Arg404fs (NM_001204963.2); c.*2673del (NM_001353130.1); c.*43+27723del (NM_001353131.2); short protein forms R404fs.
Identifiers: ClinVar variation 3030205 (VCV003030205.2), dbSNP rs764135164, ClinGen allele CA2740090405.

ClinVar aggregate classification (germline): Uncertain significance (0 of 4 stars; one submission).

Conditions:
PBX1-related disorder. Also called: PBX1-related condition.

Submission:

PreventionGenetics, part of Exact Sciences
Classification: Uncertain significance for PBX1-related condition. Last evaluated: 2024-01-18. Review status: no assertion criteria provided. Collection method: clinical testing. Allele origin: germline.
Comment: The PBX1 c.1210delC variant is predicted to result in a frameshift and premature protein termination (p.Arg404Glyfs*23). This variant occurs in the last exon of the PBX1 gene and may not result in nonsense mediated decay. No other loss of function variants in this exon have been reported in individuals with PBX1-related disease to date (Human Gene Mutation Database). To our knowledge, this variant has not been reported in the literature or in a large population database, indicating this variant is rare. At this time, the clinical significance of this variant is uncertain due to the absence of conclusive functional and genetic evidence.